The following is an entry in ClinVar:

NM_006767.4(LZTR1):c.1568del (p.Val523fs)

Gene: LZTR1 (leucine zipper like post translational regulator 1; plus strand). Cytogenetic location: 22q11.21.
Variant type: Deletion.
Coding change: c.1568del on transcript NM_006767.4 (MANE Select); coding-DNA position 1568, one base deleted (T; older notation c.1568delT).
Protein change: p.Val523fs; shifts the reading frame from valine 523.
Molecular consequence: frameshift variant.
Genome position (GRCh38, 1-based): chr22:20,994,222, T deleted. VCF-style (leftmost placement, unchanged base first): chr22-20994221-GT-G. GRCh37 (hg19) VCF-style: chr22-21348510-GT-G.
Other names: c.1568delT (NM_006767.3); short protein forms V523fs.
Identifiers: ClinVar variation 1075272 (VCV001075272.8), dbSNP rs990151749, ClinGen allele CA322269222.
Genomic context (GRCh38, chr22:20,994,221, plus strand): 5'-GGGGCCCGGCCGCCCCTGCTGCACGTGGCCATCCGGGAGGCCGAGGCCCGGCCCTTCGAG[GT>G]GCTCATGCAGTTCCTCTACACCGACAAGATCAAATACCCACGGAAAGGTCCGCCTGGGTG-3'

ClinVar aggregate classification (germline): Pathogenic. Review status: criteria provided, multiple submitters, no conflicts (2 of 4 stars). 2 submissions from 2 submitters: Pathogenic (2). Last evaluated 2025-11-23.

Conditions:
Cardiovascular phenotype. Identifiers: MedGen CN230736.
Hereditary cancer-predisposing syndrome. Also called: Tumor predisposition; Hereditary neoplastic syndrome; Neoplastic Syndromes, Hereditary; Hereditary Cancer Syndrome. Identifiers: Orphanet 140162, MedGen C0027672, MeSH D009386, MONDO:0015356.

Allele frequency attached by ClinVar (database versions not stated): gnomAD exomes below 0.00001; TOPMed below 0.00001; gnomAD 0.00001.

Submissions (2):

Labcorp Genetics (formerly Invitae), Labcorp
Classification: Pathogenic. Last evaluated: 2025-11-23. Review status: criteria provided, single submitter. Criteria: Invitae Variant Classification Sherloc (09022015). Collection method: clinical testing. Allele origin: germline.
Comment: This sequence change creates a premature translational stop signal (p.Val523Glyfs*33) in the LZTR1 gene. It is expected to result in an absent or disrupted protein product. Loss-of-function variants in LZTR1 are known to be pathogenic (PMID: 24362817, 25335493, 25480913, 25795793, 29469822, 30368668, 30442762, 30442766, 30481304, 30859559). This variant is present in population databases (no rsID available, gnomAD 0.002%). This variant has not been reported in the literature in individuals affected with LZTR1-related conditions. ClinVar contains an entry for this variant (Variation ID: 1075272). For these reasons, this variant has been classified as Pathogenic.

Ambry Genetics
Classification: Pathogenic for Cardiovascular phenotype; Hereditary cancer-predisposing syndrome. Last evaluated: 2024-11-08. Review status: criteria provided, single submitter. Criteria: Ambry Variant Classification Scheme 2023. Collection method: clinical testing. Allele origin: germline.
Comment: The c.1568delT pathogenic mutation, located in coding exon 14 of the LZTR1 gene, results from a deletion of one nucleotide at nucleotide position 1568, causing a translational frameshift with a predicted alternate stop codon (p.V523Gfs*33). This alteration is expected to result in loss of function by premature protein truncation or nonsense-mediated mRNA decay. Loss-of-function variants in LZTR1 are related to an increased risk for schwannomas and autosomal recessive Noonan syndrome; however, such associations with autosomal dominant Noonan syndrome have not been observed (Piotrowski A et al. Nat Genet. 2014 Feb;46:182-7; Yamamoto GL et al. J Med Genet. 2015 Jun;52:413-21; Johnston JJ et al. Genet Med. 2018 10;20:1175-1185). Based on the supporting evidence, this variant is pathogenic for an increased risk of LZTR1-related schwannomatosis (SWN) and would be expected to cause autosomal recessive Noonan syndrome when present along with a second pathogenic or likely pathogenic variant on the other allele; however, the association of this alteration with autosomal dominant Noonan syndrome is unlikely.

Literature cited by the submitters: PubMed 24362817 (cited by Labcorp Genetics (formerly Invitae), Labcorp); PubMed 25335493 (cited by Labcorp Genetics (formerly Invitae), Labcorp); PubMed 25480913 (cited by Labcorp Genetics (formerly Invitae), Labcorp); PubMed 25795793 (cited by Labcorp Genetics (formerly Invitae), Labcorp); PubMed 29469822 (cited by Labcorp Genetics (formerly Invitae), Labcorp); PubMed 30368668 (cited by Labcorp Genetics (formerly Invitae), Labcorp); PubMed 30442762 (cited by Labcorp Genetics (formerly Invitae), Labcorp); PubMed 30442766 (cited by Labcorp Genetics (formerly Invitae), Labcorp); PubMed 30481304 (cited by Labcorp Genetics (formerly Invitae), Labcorp); PubMed 30859559 (cited by Labcorp Genetics (formerly Invitae), Labcorp).